The following is an entry in ClinVar:

NM_003072.5(SMARCA4):c.2424C>G (p.Ile808Met)

Gene: SMARCA4 (SWI/SNF related BAF chromatin remodeling complex subunit ATPase 4; plus strand). Cytogenetic location: 19p13.2.
Variant type: single nucleotide variant.
Coding change: c.2424C>G on transcript NM_003072.5 (MANE Select); coding-DNA position 2424, C replaced by G.
Protein change: p.Ile808Met; replaces isoleucine 808 with methionine.
Molecular consequence: missense variant. On other transcripts: non-coding transcript variant (1).
Genome position (GRCh38, 1-based): chr19:11,013,098, C>G. VCF-style: chr19-11013098-C-G. GRCh37 (hg19) VCF-style: chr19-11123774-C-G.
Other names: c.2424C>G, p.Ile808Met (NM_001128844.3, NM_001128845.2, NM_001128846.2 and 6 more transcripts); short protein forms I808M.
Identifiers: ClinVar variation 4864779 (VCV004864779.1).

ClinVar aggregate classification (germline): Uncertain significance (1 of 4 stars; one submission).

Conditions:
Hereditary cancer-predisposing syndrome. Also called: Neoplastic Syndromes, Hereditary; Tumor predisposition; Hereditary Cancer Syndrome; Hereditary neoplastic syndrome. Identifiers: Orphanet 140162, MedGen C0027672, MeSH D009386, MONDO:0015356.

Submission:

Ambry Genetics
Classification: Uncertain significance for Hereditary cancer-predisposing syndrome. Last evaluated: 2026-05-14. Review status: criteria provided, single submitter. Criteria: Ambry Variant Classification Scheme 2023. Collection method: clinical testing. Allele origin: germline.
Comment: The p.I808M variant (also known as c.2424C>G), located in coding exon 15 of the SMARCA4 gene, results from a C to G substitution at nucleotide position 2424. The isoleucine at codon 808 is replaced by methionine, an amino acid with highly similar properties. This amino acid position is conserved. In addition, this alteration is predicted to be deleterious by in silico analysis. Based on the available evidence, the clinical significance of this variant remains unclear.